The following is an entry in ClinVar:

NM_014762.4(DHCR24):c.359A>G (p.Asp120Gly)

Gene: DHCR24 (24-dehydrocholesterol reductase; minus strand). Cytogenetic location: 1p32.3.
Variant type: single nucleotide variant.
Coding change: c.359A>G on transcript NM_014762.4 (MANE Select); coding-DNA position 359, A replaced by G.
Protein change: p.Asp120Gly; replaces aspartic acid 120 with glycine.
Molecular consequence: missense variant.
Genome position (GRCh38, 1-based): chr1:54,883,646, T>C on the plus strand (A>G on the coding strand, the complement: DHCR24 is on the minus strand). VCF-style: chr1-54883646-T-C. GRCh37 (hg19) VCF-style: chr1-55349319-T-C.
Other names: short protein forms D120G.
Identifiers: ClinVar variation 2764722 (VCV002764722.3), dbSNP rs2524749797, ClinGen allele CA340464596.

ClinVar aggregate classification (germline): Uncertain significance (1 of 4 stars; one submission).

Allele frequency attached by ClinVar (database versions not stated): gnomAD exomes below 0.00001.
gnomAD v4.1: 2 of 1,614,236 alleles (0.00012%); highest among the groups gnomAD compares: Non-Finnish European, 0.00017%; no homozygotes.

Submission:

Labcorp Genetics (formerly Invitae), Labcorp
Classification: Uncertain significance. Last evaluated: 2023-12-12. Review status: criteria provided, single submitter. Criteria: Invitae Variant Classification Sherloc (09022015). Collection method: clinical testing. Allele origin: germline.
Comment: This sequence change replaces aspartic acid, which is acidic and polar, with glycine, which is neutral and non-polar, at codon 120 of the DHCR24 protein (p.Asp120Gly). This variant is not present in population databases (gnomAD no frequency). This variant has not been reported in the literature in individuals affected with DHCR24-related conditions. Advanced modeling of protein sequence and biophysical properties (such as structural, functional, and spatial information, amino acid conservation, physicochemical variation, residue mobility, and thermodynamic stability) performed at Invitae indicates that this missense variant is not expected to disrupt DHCR24 protein function with a negative predictive value of 80%. In summary, the available evidence is currently insufficient to determine the role of this variant in disease. Therefore, it has been classified as a Variant of Uncertain Significance.